The following is an entry in ClinVar:

NM_000051.4(ATM):c.2170G>A (p.Gly724Ser)

Gene: ATM (ATM serine/threonine kinase; plus strand). Cytogenetic location: 11q22.3.
Variant type: single nucleotide variant.
Coding change: c.2170G>A on transcript NM_000051.4 (MANE Select); coding-DNA position 2170, G replaced by A.
Protein change: p.Gly724Ser; replaces glycine 724 with serine.
Molecular consequence: missense variant.
Genome position (GRCh38, 1-based): chr11:108,256,260, G>A. VCF-style: chr11-108256260-G-A. GRCh37 (hg19) VCF-style: chr11-108126987-G-A.
Other names: c.2170G>A, p.Gly724Ser (NM_001351834.2); short protein forms G724S.
Identifiers: ClinVar variation 453406 (VCV000453406.27), dbSNP rs887317346, ClinGen allele CA228397341.
Genomic context (GRCh38, chr11:108,256,260, plus strand): 5'-GTGGTTTACTTTAAGATTACAAATTCAGAAACTCTTGTCCGGTGTTCACGTCTTTTGGTG[G>A]GTGTCCTTGGCTGCTACTGTTACATGGGTGTAATAGCTGAAGAGGAAGCATATAAGTCAG-3'
Protein context (NP_000042.3, residues 714-734): TLVRCSRLLV[Gly724Ser]VLGCYCYMGV

ClinVar aggregate classification (germline): Uncertain significance. Review status: criteria provided, multiple submitters, no conflicts (2 of 4 stars). 6 submissions from 6 submitters: Uncertain significance (5). 1 of the submissions does not count toward it. Last evaluated 2026-01-25.

Conditions:
Hereditary cancer-predisposing syndrome. Also called: Tumor predisposition; Hereditary Cancer Syndrome; Neoplastic Syndromes, Hereditary; Hereditary neoplastic syndrome. Identifiers: Orphanet 140162, MedGen C0027672, MeSH D009386, MONDO:0015356.
Familial cancer of breast. Also called: Hereditary breast cancer; hereditary breast carcinoma; BREAST CANCER, FAMILIAL. Identifiers: Orphanet 227535, MedGen C0346153, MONDO:0016419, OMIM 114480. Disease mechanism: loss of function.
Ataxia-telangiectasia syndrome (AT). Also called: Cerebello-oculocutaneous telangiectasia; Immunodeficiency with ataxia telangiectasia; Ataxia-telangiectasia, complementation group D; AT, COMPLEMENTATION GROUP C; Ataxia-telangiectasia, complementation group E; LOUIS-BAR SYNDROME. Identifiers: Orphanet 100, MedGen C0004135, MONDO:0008840, OMIM 208900.

Allele frequency attached by ClinVar (database versions not stated): gnomAD exomes below 0.00001; TOPMed 0.00001.
gnomAD v4.1: 5 of 1,610,152 alleles (0.00031%); highest among the groups gnomAD compares: African/African-American, 0.0013%; no homozygotes.

Submissions (6):

Labcorp Genetics (formerly Invitae), Labcorp
Classification: Uncertain significance for Ataxia-telangiectasia syndrome. Last evaluated: 2026-01-25. Review status: criteria provided, single submitter. Criteria: Invitae Variant Classification Sherloc (09022015). Collection method: clinical testing. Allele origin: germline.
Comment: This sequence change replaces glycine, which is neutral and non-polar, with serine, which is neutral and polar, at codon 724 of the ATM protein (p.Gly724Ser). This variant is not present in population databases (gnomAD no frequency). This variant has not been reported in the literature in individuals affected with ATM-related conditions. ClinVar contains an entry for this variant (Variation ID: 453406). Invitae Evidence Modeling of protein sequence and biophysical properties (such as structural, functional, and spatial information, amino acid conservation, physicochemical variation, residue mobility, and thermodynamic stability) indicates that this missense variant is not expected to disrupt ATM protein function with a negative predictive value of 95%. RNA analysis performed to evaluate the impact of this missense change on mRNA splicing indicates it does not significantly alter splicing (internal data). In summary, the available evidence is currently insufficient to determine the role of this variant in disease. Therefore, it has been classified as a Variant of Uncertain Significance.

Women's Health and Genetics/Laboratory Corporation of America, LabCorp
Classification: Uncertain significance. Last evaluated: 2025-10-13. Review status: criteria provided, single submitter. Criteria: LabCorp Variant Classification Summary - May 2015. Collection method: clinical testing. Allele origin: germline.
Comment: Variant summary: ATM c.2170G>A (p.Gly724Ser) results in a non-conservative amino acid change in the encoded protein sequence. Algorithms developed to predict the effect of missense changes on protein structure and function are either unavailable or do not agree on the potential impact of this missense change. The variant was absent in 251128 control chromosomes. The available data on variant occurrences in the general population are insufficient to allow any conclusion about variant significance. c.2170G>A has been observed in individual(s) with Breast, Ovarian or Pancreatic Cancer (example, Bono_2021). These report(s) do not provide unequivocal conclusions about association of the variant with Breast Cancer. To our knowledge, no experimental evidence demonstrating an impact on protein function has been reported. The following publication have been ascertained in the context of this evaluation (PMID: 34371384). ClinVar contains an entry for this variant (Variation ID: 453406). Based on the evidence outlined above, the variant was classified as uncertain significance.

Ambry Genetics
Classification: Uncertain significance for Hereditary cancer-predisposing syndrome. Last evaluated: 2024-12-23. Review status: criteria provided, single submitter. Criteria: Ambry Variant Classification Scheme 2023. Collection method: clinical testing. Allele origin: germline.
Comment: The p.G724S variant (also known as c.2170G>A), located in coding exon 13 of the ATM gene, results from a G to A substitution at nucleotide position 2170. The glycine at codon 724 is replaced by serine, an amino acid with similar properties. This amino acid position is highly conserved in available vertebrate species. In addition, the in silico prediction for this alteration is inconclusive. Based on the available evidence, the clinical significance of this variant remains unclear.

Color Diagnostics, LLC DBA Color Health
Classification: Uncertain significance for Hereditary cancer-predisposing syndrome. Last evaluated: 2023-10-10. Review status: criteria provided, single submitter. Criteria: ACMG Guidelines, 2015. Collection method: clinical testing. Allele origin: germline.
Comment: This missense variant replaces glycine with serine at codon 724 of the ATM protein. Computational prediction suggests that this variant may not impact protein structure and function (internally defined REVEL score threshold <= 0.5, PMID: 27666373). To our knowledge, functional studies have not been reported for this variant. This variant has been reported in individuals affected with breast cancer (PMID: 33471991) or with breast, ovarian or pancreatic cancer (PMID: 34371384). This variant has not been identified in the general population by the Genome Aggregation Database (gnomAD). The available evidence is insufficient to determine the role of this variant in disease conclusively. Therefore, this variant is classified as a Variant of Uncertain Significance.

Department of Pathology and Laboratory Medicine, Sinai Health System
Classification: Uncertain significance for Familial cancer of breast. Last evaluated: 2022-09-14. Review status: criteria provided, single submitter. Criteria: ACMG Guidelines, 2015. Collection method: clinical testing. Allele origin: germline. Affected: yes.

Natera, Inc.
Classification: Uncertain significance for Ataxia-telangiectasia. Last evaluated: 2021-03-09. Review status: no assertion criteria provided. Collection method: clinical testing. Allele origin: germline. Not counted in ClinVar's aggregate classification.

Literature cited by the submitters: PubMed 34371384 (cited by Women's Health and Genetics/Laboratory Corporation of America, LabCorp and Color Diagnostics, LLC DBA Color Health); PubMed 33471991 (cited by Ambry Genetics and Color Diagnostics, LLC DBA Color Health).